The following is an entry in ClinVar:

NM_007294.4(BRCA1):c.315T>A (p.Tyr105Ter)

Gene: BRCA1 (BRCA1 DNA repair associated; minus strand). Cytogenetic location: 17q21.31.
Variant type: single nucleotide variant.
Coding change: c.315T>A on transcript NM_007294.4 (MANE Select); coding-DNA position 315, T replaced by A.
Protein change: p.Tyr105Ter; replaces tyrosine 105 with a stop codon.
Molecular consequence: nonsense. On other transcripts: 5 prime UTR variant (7), intron variant (2).
Genome position (GRCh38, 1-based): chr17:43,104,248, A>T on the plus strand (T>A on the coding strand, the complement: BRCA1 is on the minus strand). VCF-style: chr17-43104248-A-T. GRCh37 (hg19) VCF-style: chr17-41256265-A-T.
Other names: c.174T>A, p.Tyr58Ter (NM_001408466.1, NM_001408467.1, NM_001408468.1 and 99 more transcripts); c.315T>A, p.Tyr105Ter (NM_001408472.1, NM_001408473.1, NM_001408450.1 and 164 more transcripts); c.237T>A, p.Tyr79Ter (NM_001408475.1, NM_001408474.1, NM_001408476.1 and 21 more transcripts); c.183T>A, p.Tyr61Ter (NM_001408451.1); c.105T>A, p.Tyr35Ter (NM_001408491.1, NM_001408485.1, NM_001408490.1 and 58 more transcripts); c.-67T>A (NM_001407959.1, NM_001407960.1, NM_001407962.1 and 4 more transcripts); c.306T>A, p.Tyr102Ter (NM_001407646.1, NM_001407647.1, NM_001408408.1); c.-218-9388T>A (NM_001407967.1, NM_001407966.1); short protein forms Y79*, Y102*, Y105*, Y58*, Y61*, Y35*.
Identifiers: ClinVar variation 3825315 (VCV003825315.2).

ClinVar aggregate classification (germline): Pathogenic. Review status: criteria provided, multiple submitters, no conflicts (2 of 4 stars). 2 submissions from 2 submitters: Pathogenic (2). Last evaluated 2025-10-10.

Conditions:
Hereditary breast ovarian cancer syndrome. Also called: Hereditary breast and ovarian cancer syndrome; BRCA1- and BRCA2-Associated Hereditary Breast and Ovarian Cancer; Hereditary breast and ovarian cancer; Hereditary breast and ovarian cancer syndrome (HBOC); Breast and ovarian cancer; Hereditary breast and/or ovarian cancer syndrome. Identifiers: Orphanet 145, MedGen C0677776, MeSH D061325, MONDO:0003582. Disease mechanism: loss of function.
Hereditary cancer-predisposing syndrome. Also called: Hereditary neoplastic syndrome; Neoplastic Syndromes, Hereditary; Tumor predisposition; Hereditary Cancer Syndrome. Identifiers: Orphanet 140162, MedGen C0027672, MeSH D009386, MONDO:0015356.

gnomAD v4.1: 1 of 1,610,660 alleles (0.000062%); highest among the groups gnomAD compares: South Asian, 0.0011%; no homozygotes.

Submissions (2):

Labcorp Genetics (formerly Invitae), Labcorp
Classification: Pathogenic for Hereditary breast ovarian cancer syndrome. Last evaluated: 2025-10-10. Review status: criteria provided, single submitter. Criteria: Invitae Variant Classification Sherloc (09022015). Collection method: clinical testing. Allele origin: germline.
Comment: This sequence change creates a premature translational stop signal (p.Tyr105*) in the BRCA1 gene. It is expected to result in an absent or disrupted protein product. Loss-of-function variants in BRCA1 are known to be pathogenic (PMID: 20104584). This variant is not present in population databases (gnomAD no frequency). This variant has not been reported in the literature in individuals affected with BRCA1-related conditions. ClinVar contains an entry for this variant (Variation ID: 3825315). For these reasons, this variant has been classified as Pathogenic.

Ambry Genetics
Classification: Pathogenic for Hereditary cancer-predisposing syndrome. Last evaluated: 2025-02-10. Review status: criteria provided, single submitter. Criteria: Ambry Variant Classification Scheme 2023. Collection method: clinical testing. Allele origin: germline.
Comment: The p.Y105* pathogenic mutation (also known as c.315T>A), located in coding exon 5 of the BRCA1 gene, results from a T to A substitution at nucleotide position 315. This changes the amino acid from a tyrosine to a stop codon within coding exon 5. This variant is considered to be rare based on population cohorts in the Genome Aggregation Database (gnomAD). This alteration is expected to result in loss of function by premature protein truncation or nonsense-mediated mRNA decay. As such, this alteration is interpreted as a disease-causing mutation.

Literature cited by the submitters: PubMed 20104584 (cited by Labcorp Genetics (formerly Invitae), Labcorp).